The following is an entry in ClinVar:

NM_000059.4(BRCA2):c.9151C>G (p.Pro3051Ala)

Gene: BRCA2 (BRCA2 DNA repair associated; plus strand). Cytogenetic location: 13q13.1.
Variant type: single nucleotide variant.
Coding change: c.9151C>G on transcript NM_000059.4 (MANE Select); coding-DNA position 9151, C replaced by G.
Protein change: p.Pro3051Ala; replaces proline 3051 with alanine.
Molecular consequence: missense variant. On other transcripts: non-coding transcript variant (1).
Genome position (GRCh38, 1-based): chr13:32,380,040, C>G. VCF-style: chr13-32380040-C-G. GRCh37 (hg19) VCF-style: chr13-32954177-C-G.
Other names: c.9055C>G, p.Pro3019Ala (NM_001406719.1); c.9100C>G, p.Pro3034Ala (NM_001406720.1); c.4219C>G, p.Pro1407Ala (NM_001406721.1); c.2734C>G, p.Pro912Ala (NM_001406722.1); c.9151C>G, p.Pro3051Ala (NM_001432077.1); short protein forms P1407A, P3019A, P3034A, P3051A, P912A.
Identifiers: ClinVar variation 4856514 (VCV004856514.1).

ClinVar aggregate classification (germline): Likely benign (1 of 4 stars; one submission).

Conditions:
Breast-ovarian cancer, familial, susceptibility to, 2 (BROVCA2). Also called: BRCA2 Hereditary Breast and Ovarian Cancer. Identifiers: Orphanet 145, MedGen C2675520, MONDO:0012933, OMIM 612555. Disease mechanism: loss of function.

gnomAD v4.1: 1 of 1,614,066 alleles (0.000062%); highest among the groups gnomAD compares: Non-Finnish European, 0.000085%; no homozygotes.

Submission:

Cancer Bioinformatics and Tumour Evolution Laboratory, Monash University
Classification: Likely benign for Breast-ovarian cancer, familial, susceptibility to, 2. Last evaluated: 2026-05-01. Review status: criteria provided, single submitter. Criteria: ClinGen BRCA1 and BRCA2 Guidelines, 2024. Collection method: curation. Allele origin: germline. Inheritance: Autosomal dominant inheritance.
Comment: The variant is in a functional domain (DNA Binding Domain). The BayesDel score is -0.00770889 , which means no deleterious impact is predicted. Hence, BP4 is applied. PMID: 39281752 - A large scale study to determine the case-control LR of BRCA1 and BRCA2 variants. The data was consolidated in the ccLR browser. This variant was found in the browser with a LR of 0.746059745 which is in the no evidence range according to the BRCA1 and BRCA2 VCEP. Hence, no evidence code is applied. PMID: 39779857 - SGE followed by HDR assay on haploid human HAP1 cells. This variant (c.9151C>G; p.Pro3051Ala) was found to be strongly benign along with all other missenses at this position. PMID: 39779848 - SGE followed by HDR on mES cells. This variant c.9151C>G; p.Pro3051Ala was found to be benign. All other missenses in this position were also benign except c.9152C>T; p,Pro3051Leu, which was uncertain. BS3 was applied on the basis of this functional evidence.

Literature cited by the submitters: PubMed 39281752; PubMed 39779857; PubMed 39779848.